The following is an entry in ClinVar:

NM_000321.3(RB1):c.2591A>G (p.Glu864Gly)

Gene: RB1 (RB transcriptional corepressor 1; plus strand). Cytogenetic location: 13q14.2.
Variant type: single nucleotide variant.
Coding change: c.2591A>G on transcript NM_000321.3 (MANE Select); coding-DNA position 2591, A replaced by G.
Protein change: p.Glu864Gly; replaces glutamic acid 864 with glycine.
Molecular consequence: missense variant.
Genome position (GRCh38, 1-based): chr13:48,476,771, A>G. VCF-style: chr13-48476771-A-G. GRCh37 (hg19) VCF-style: chr13-49050907-A-G.
Other names: short protein forms E864G.
Identifiers: ClinVar variation 846604 (VCV000846604.9), dbSNP rs1949506524, ClinGen allele CA388157373.
Genomic context (GRCh38, chr13:48,476,771, plus strand): 5'-AGTTCCAGAAAATAAATCAGATGGTATGTAACAGCGACCGTGTGCTCAAAAGAAGTGCTG[A>G]AGGAAGCAACCCTCCTAAACCACTGAAAAAACTACGCTTTGATATTGAAGGATCAGATGA-3'
Protein context (NP_000312.2, residues 854-874): NSDRVLKRSA[Glu864Gly]GSNPPKPLKK

ClinVar aggregate classification (germline): Uncertain significance (1 of 4 stars; one submission).

Conditions:
Retinoblastoma (RB1). Also called: RETINOBLASTOMA, SOMATIC. Identifiers: Orphanet 790, MedGen C0035335, MeSH D012175, MONDO:0008380, OMIM 180200, HP:0009919. Disease mechanism: loss of function. Inheritance: Both sporadic and heritable forms are tested..

Submission:

Labcorp Genetics (formerly Invitae), Labcorp
Classification: Uncertain significance for Retinoblastoma. Last evaluated: 2022-07-05. Review status: criteria provided, single submitter. Criteria: Invitae Variant Classification Sherloc (09022015). Collection method: clinical testing. Allele origin: germline.
Comment: In summary, the available evidence is currently insufficient to determine the role of this variant in disease. Therefore, it has been classified as a Variant of Uncertain Significance. Algorithms developed to predict the effect of missense changes on protein structure and function are either unavailable or do not agree on the potential impact of this missense change (SIFT: "Deleterious"; PolyPhen-2: "Possibly Damaging"; Align-GVGD: "Class C15"). ClinVar contains an entry for this variant (Variation ID: 846604). This variant has not been reported in the literature in individuals affected with RB1-related conditions. This variant is not present in population databases (gnomAD no frequency). This sequence change replaces glutamic acid, which is acidic and polar, with glycine, which is neutral and non-polar, at codon 864 of the RB1 protein (p.Glu864Gly).